The following is an entry in ClinVar:

NM_003924.4(PHOX2B):c.391C>A (p.Leu131Met)

Gene: PHOX2B (paired like homeobox 2B; minus strand). Cytogenetic location: 4p13.
Variant type: single nucleotide variant.
Coding change: c.391C>A on transcript NM_003924.4 (MANE Select); coding-DNA position 391, C replaced by A.
Protein change: p.Leu131Met; replaces leucine 131 with methionine.
Molecular consequence: missense variant.
Genome position (GRCh38, 1-based): chr4:41,747,387, G>T on the plus strand (C>A on the coding strand, the complement: PHOX2B is on the minus strand). VCF-style: chr4-41747387-G-T. GRCh37 (hg19) VCF-style: chr4-41749404-G-T.
Other names: c.391C>A (NM_003924.3); short protein forms L131M.
Identifiers: ClinVar variation 1437079 (VCV001437079.9), dbSNP rs748614674, ClinGen allele CA356739915.

ClinVar aggregate classification (germline): Uncertain significance. Review status: criteria provided, multiple submitters, no conflicts (2 of 4 stars). 2 submissions from 2 submitters: Uncertain significance (2). Last evaluated 2026-02-18.

Conditions:
Hereditary cancer-predisposing syndrome. Also called: Neoplastic Syndromes, Hereditary; Tumor predisposition; Hereditary Cancer Syndrome; Hereditary neoplastic syndrome. Identifiers: Orphanet 140162, MedGen C0027672, MeSH D009386, MONDO:0015356.
Haddad syndrome (OHD). Also called: Ondine-Hirschsprung disease. Identifiers: Orphanet 99803, MedGen C1859049, MONDO:0020493.

Submissions (2):

Ambry Genetics
Classification: Uncertain significance for Hereditary cancer-predisposing syndrome. Last evaluated: 2026-02-18. Review status: criteria provided, single submitter. Criteria: Ambry Variant Classification Scheme 2023. Collection method: clinical testing. Allele origin: germline.
Comment: The p.L131M variant (also known as c.391C>A), located in coding exon 2 of the PHOX2B gene, results from a C to A substitution at nucleotide position 391. The leucine at codon 131 is replaced by methionine, an amino acid with highly similar properties. This amino acid position is highly conserved in available vertebrate species. In addition, this alteration is predicted to be deleterious by in silico analysis. Based on the available evidence, the clinical significance of this variant remains unclear.

Labcorp Genetics (formerly Invitae), Labcorp
Classification: Uncertain significance for Haddad syndrome. Last evaluated: 2021-07-06. Review status: criteria provided, single submitter. Criteria: Invitae Variant Classification Sherloc (09022015). Collection method: clinical testing. Allele origin: germline.
Comment: This sequence change replaces leucine with methionine at codon 131 of the PHOX2B protein (p.Leu131Met). The leucine residue is highly conserved and there is a small physicochemical difference between leucine and methionine. This variant is not present in population databases (ExAC no frequency). This variant has not been reported in the literature in individuals affected with PHOX2B-related conditions. Algorithms developed to predict the effect of missense changes on protein structure and function are either unavailable or do not agree on the potential impact of this missense change (SIFT: "Deleterious"; PolyPhen-2: "Probably Damaging"; Align-GVGD: "Class C0"). In summary, the available evidence is currently insufficient to determine the role of this variant in disease. Therefore, it has been classified as a Variant of Uncertain Significance.